The following is an entry in ClinVar:

NM_001792.5(CDH2):c.2664C>A (p.Asn888Lys)

Genes: CDH2 (cadherin 2; minus strand), CDH2-AS1 (CDH2 antisense RNA 1; plus strand). Cytogenetic location: 18q12.1.
Variant type: single nucleotide variant.
Coding change: c.2664C>A on transcript NM_001792.5 (MANE Select); coding-DNA position 2664, C replaced by A.
Protein change: p.Asn888Lys; replaces asparagine 888 with lysine.
Molecular consequence: missense variant.
Genome position (GRCh38, 1-based): chr18:27,952,210, G>T on the plus strand (C>A on the coding strand, the complement: CDH2 is on the minus strand). VCF-style: chr18-27952210-G-T. GRCh37 (hg19) VCF-style: chr18-25532174-G-T.
Other names: c.2664C>A (NM_001792.3); c.2571C>A, p.Asn857Lys (NM_001308176.2); short protein forms N857K, N888K.
Identifiers: ClinVar variation 2049346 (VCV002049346.27), dbSNP rs201334347, ClinGen allele CA402101047.

ClinVar aggregate classification (germline): Uncertain significance. Review status: criteria provided, multiple submitters, no conflicts (2 of 4 stars). 3 submissions from 3 submitters: Uncertain significance (3). Last evaluated 2023-12-01.

Conditions:
Inborn genetic diseases. Identifiers: MedGen C0950123, MeSH D030342.

gnomAD v4.1: 2 of 1,613,504 alleles (0.00012%); highest among the groups gnomAD compares: African/African-American, 0.0013%; no homozygotes.

Submissions (3):

CeGaT Center for Human Genetics Tuebingen
Classification: Uncertain significance. Last evaluated: 2023-12-01. Review status: criteria provided, single submitter. Criteria: CeGaT Center For Human Genetics Tuebingen Variant Classification Criteria Version 2. Collection method: clinical testing. Allele origin: germline. Affected: yes. Observed: 1 variant allele.
Comment: CDH2: PM2, PP3

Ambry Genetics
Classification: Uncertain significance for Inborn genetic diseases. Last evaluated: 2023-11-18. Review status: criteria provided, single submitter. Criteria: Ambry Variant Classification Scheme 2023. Collection method: clinical testing. Allele origin: germline.
Comment: The p.N888K variant (also known as c.2664C>A), located in coding exon 16 of the CDH2 gene, results from a C to A substitution at nucleotide position 2664. The asparagine at codon 888 is replaced by lysine, an amino acid with similar properties. This amino acid position is conserved. In addition, this alteration is predicted to be tolerated by in silico analysis. Since supporting evidence is limited at this time, the clinical significance of this alteration remains unclear.

Labcorp Genetics (formerly Invitae), Labcorp
Classification: Uncertain significance. Last evaluated: 2022-06-07. Review status: criteria provided, single submitter. Criteria: Invitae Variant Classification Sherloc (09022015). Collection method: clinical testing. Allele origin: germline.
Comment: This sequence change replaces asparagine, which is neutral and polar, with lysine, which is basic and polar, at codon 888 of the CDH2 protein (p.Asn888Lys). This variant is not present in population databases (gnomAD no frequency). This variant has not been reported in the literature in individuals affected with CDH2-related conditions. Algorithms developed to predict the effect of missense changes on protein structure and function are either unavailable or do not agree on the potential impact of this missense change (SIFT: "Tolerated"; PolyPhen-2: "Possibly Damaging"; Align-GVGD: "Class C15"). In summary, the available evidence is currently insufficient to determine the role of this variant in disease. Therefore, it has been classified as a Variant of Uncertain Significance.